The following is an entry in ClinVar:

ClinVar aggregate classification (germline): Uncertain significance. Review status: criteria provided, multiple submitters, no conflicts (2 of 4 stars). 3 submissions from 3 submitters: Uncertain significance (3). Last evaluated 2025-12-01.

Conditions:
Wilms tumor 1 (WT1). Also called: Wilms tumor, somatic. Identifiers: Orphanet 654, MedGen CN033288, MONDO:0008679, OMIM 194070.
11p partial monosomy syndrome (WAGR). Also called: CHROMOSOME 11p13 DELETION SYNDROME; WAGR Complex; WAGR Spectrum Disorder; WAGR syndrome. Identifiers: Orphanet 893, MedGen C0206115, MONDO:0008681, OMIM 194072.
Drash syndrome (DDS). Also called: NEPHROPATHY, WILMS TUMOR, AND GENITAL ANOMALIES; WILMS TUMOR AND PSEUDO- OR TRUE HERMAPHRODITISM. Identifiers: Orphanet 220, MedGen C0950121, MONDO:0008682, OMIM 194080.
Frasier syndrome. Identifiers: Orphanet 347, MedGen C0950122, MeSH D052159, MONDO:0007635, OMIM 136680.
Inborn genetic diseases. Identifiers: MedGen C0950123, MeSH D030342.

Allele frequency attached by ClinVar (database versions not stated): gnomAD exomes below 0.00001.
gnomAD v4.1: 2 of 1,614,162 alleles (0.00012%); highest among the groups gnomAD compares: Non-Finnish European, 0.00017%; no homozygotes.

Submissions (3):

Ambry Genetics
Classification: Uncertain significance for Inborn genetic diseases. Last evaluated: 2025-12-01. Review status: criteria provided, single submitter. Criteria: Ambry Variant Classification Scheme 2023. Collection method: clinical testing. Allele origin: germline.
Comment: The p.S381L variant (also known as c.1142C>T), located in coding exon 7 of the WT1 gene, results from a C to T substitution at nucleotide position 1142. The serine at codon 381 is replaced by leucine, an amino acid with dissimilar properties. This amino acid position is well conserved in available vertebrate species. In addition, the in silico prediction for this alteration is inconclusive. Based on the available evidence, the clinical significance of this variant remains unclear.

Blueprint Genetics
Classification: Uncertain significance. Last evaluated: 2024-04-12. Review status: criteria provided, single submitter. Criteria: ACMG Guidelines, 2015. Collection method: clinical testing. Allele origin: germline.

Labcorp Genetics (formerly Invitae), Labcorp
Classification: Uncertain significance for Wilms tumor 1; Drash syndrome; 11p partial monosomy syndrome; Frasier syndrome. Last evaluated: 2023-03-08. Review status: criteria provided, single submitter. Criteria: Invitae Variant Classification Sherloc (09022015). Collection method: clinical testing. Allele origin: germline.
Comment: This variant is not present in population databases (gnomAD no frequency). This sequence change replaces serine, which is neutral and polar, with leucine, which is neutral and non-polar, at codon 381 of the WT1 protein (p.Ser381Leu). In summary, the available evidence is currently insufficient to determine the role of this variant in disease. Therefore, it has been classified as a Variant of Uncertain Significance. Advanced modeling of protein sequence and biophysical properties (such as structural, functional, and spatial information, amino acid conservation, physicochemical variation, residue mobility, and thermodynamic stability) has been performed at Invitae for this missense variant, however the output from this modeling did not meet the statistical confidence thresholds required to predict the impact of this variant on WT1 protein function. This variant has not been reported in the literature in individuals affected with WT1-related conditions.

NM_024426.6(WT1):c.1157C>T (p.Ser386Leu)

Gene: WT1 (WT1 transcription factor; minus strand). Cytogenetic location: 11p13.
Variant type: single nucleotide variant.
Coding change: c.1157C>T on transcript NM_024426.6 (MANE Select); coding-DNA position 1157, C replaced by T.
Protein change: p.Ser386Leu; replaces serine 386 with leucine.
Molecular consequence: missense variant. On other transcripts: 5 prime UTR variant (1), non-coding transcript variant (2).
Genome position (GRCh38, 1-based): chr11:32,396,364, G>A on the plus strand (C>T on the coding strand, the complement: WT1 is on the minus strand). VCF-style: chr11-32396364-G-A. GRCh37 (hg19) VCF-style: chr11-32417910-G-A.
Other names: c.1106C>T, p.Ser369Leu (NM_000378.6, NM_001407045.1, NM_001407048.1 and 1 more transcripts); c.506C>T, p.Ser169Leu (NM_001198551.2); c.455C>T, p.Ser152Leu (NM_001198552.2); c.-32C>T (NM_001367854.1); c.1151C>T, p.Ser384Leu (NM_001407044.1); c.1157C>T, p.Ser386Leu (NM_001407046.1, NM_024424.5); c.1034C>T, p.Ser345Leu (NM_001407047.1); c.983C>T, p.Ser328Leu (NM_001407050.1); and 3 more; short protein forms S364L, S381L, S152L, S369L, S132L, S169L, S345L, S386L.
Identifiers: ClinVar variation 2940696 (VCV002940696.5), dbSNP rs142937387, ClinGen allele CA379960007.